The following is an entry in ClinVar:

NM_005618.4(DLL1):c.349C>A (p.Pro117Thr)

Gene: DLL1 (delta like canonical Notch ligand 1; minus strand). Cytogenetic location: 6q27.
Variant type: single nucleotide variant.
Coding change: c.349C>A on transcript NM_005618.4 (MANE Select); coding-DNA position 349, C replaced by A.
Protein change: p.Pro117Thr; replaces proline 117 with threonine.
Molecular consequence: missense variant.
Genome position (GRCh38, 1-based): chr6:170,289,514, G>T on the plus strand (C>A on the coding strand, the complement: DLL1 is on the minus strand). VCF-style: chr6-170289514-G-T. GRCh37 (hg19) VCF-style: chr6-170598602-G-T.
Other names: short protein forms P117T.
Identifiers: ClinVar variation 4719785 (VCV004719785.1).

ClinVar aggregate classification (germline): Uncertain significance (1 of 4 stars; one submission).

gnomAD v4.1: 1 of 1,534,344 alleles (0.000065%); highest among the groups gnomAD compares: Admixed American, 0.002%; no homozygotes.

Submission:

Labcorp Genetics (formerly Invitae), Labcorp
Classification: Uncertain significance. Last evaluated: 2025-09-02. Review status: criteria provided, single submitter. Criteria: Invitae Variant Classification Sherloc (09022015). Collection method: clinical testing. Allele origin: germline.
Comment: This sequence change replaces proline, which is neutral and non-polar, with threonine, which is neutral and polar, at codon 117 of the DLL1 protein (p.Pro117Thr). The frequency data for this variant in the population databases is considered unreliable, as metrics indicate poor data quality at this position in the gnomAD database. This variant has not been reported in the literature in individuals affected with DLL1-related conditions. An algorithm developed to predict the effect of missense changes on protein structure and function (PolyPhen-2) suggests that this variant is likely to be disruptive. In summary, the available evidence is currently insufficient to determine the role of this variant in disease. Therefore, it has been classified as a Variant of Uncertain Significance.